The following is an entry in ClinVar:

ClinVar aggregate classification (germline): Uncertain significance. Review status: criteria provided, multiple submitters, no conflicts (2 of 4 stars). 2 submissions from 2 submitters: Uncertain significance (2). Last evaluated 2022-05-31.

Conditions:
Inborn genetic diseases. Identifiers: MedGen C0950123, MeSH D030342.

Allele frequency attached by ClinVar (database versions not stated): gnomAD exomes 0.00001.
gnomAD v4.1: 9 of 1,593,648 alleles (0.00056%); highest among the groups gnomAD compares: Non-Finnish European, 0.00076%; no homozygotes.

Submissions (2):

Labcorp Genetics (formerly Invitae), Labcorp
Classification: Uncertain significance. Last evaluated: 2022-05-31. Review status: criteria provided, single submitter. Criteria: Invitae Variant Classification Sherloc (09022015). Collection method: clinical testing. Allele origin: germline.
Comment: This sequence change replaces alanine, which is neutral and non-polar, with valine, which is neutral and non-polar, at codon 85 of the TTC19 protein (p.Ala85Val). In summary, the available evidence is currently insufficient to determine the role of this variant in disease. Therefore, it has been classified as a Variant of Uncertain Significance. Algorithms developed to predict the effect of missense changes on protein structure and function (SIFT, PolyPhen-2, Align-GVGD) all suggest that this variant is likely to be tolerated. This variant has not been reported in the literature in individuals affected with TTC19-related conditions. This variant is not present in population databases (gnomAD no frequency).

Ambry Genetics
Classification: Uncertain significance for Inborn genetic diseases. Last evaluated: 2021-06-04. Review status: criteria provided, single submitter. Criteria: Ambry Variant Classification Scheme 2023. Collection method: clinical testing. Allele origin: germline.

NM_017775.4(TTC19):c.254C>T (p.Ala85Val)

Gene: TTC19 (tetratricopeptide repeat domain 19; plus strand). Cytogenetic location: 17p12.
Variant type: single nucleotide variant.
Coding change: c.254C>T on transcript NM_017775.4 (MANE Select); coding-DNA position 254, C replaced by T.
Protein change: p.Ala85Val; replaces alanine 85 with valine.
Molecular consequence: missense variant. On other transcripts: 5 prime UTR variant (1).
Genome position (GRCh38, 1-based): chr17:16,000,187, C>T. VCF-style: chr17-16000187-C-T. GRCh37 (hg19) VCF-style: chr17-15903501-C-T.
Other names: c.-205C>T (NM_001271420.2); short protein forms A85V.
Identifiers: ClinVar variation 1931069 (VCV001931069.5), dbSNP rs2549919938, ClinGen allele CA398383265.